The following is an entry in ClinVar:

NM_004364.5(CEBPA):c.653T>C (p.Met218Thr)

Gene: CEBPA (CCAAT enhancer binding protein alpha; minus strand). Cytogenetic location: 19q13.11.
Variant type: single nucleotide variant.
Coding change: c.653T>C on transcript NM_004364.5 (MANE Select); coding-DNA position 653, T replaced by C.
Protein change: p.Met218Thr; replaces methionine 218 with threonine.
Molecular consequence: missense variant.
Genome position (GRCh38, 1-based): chr19:33,301,762, A>G on the plus strand (T>C on the coding strand, the complement: CEBPA is on the minus strand). VCF-style: chr19-33301762-A-G. GRCh37 (hg19) VCF-style: chr19-33792668-A-G.
Other names: c.296T>C, p.Met99Thr (NM_001285829.2); c.758T>C, p.Met253Thr (NM_001287424.2); c.611T>C, p.Met204Thr (NM_001287435.2); short protein forms M204T, M218T, M253T, M99T.
Identifiers: ClinVar variation 1718413 (VCV001718413.6), dbSNP rs2513329810, ClinGen allele CA405274488.

ClinVar aggregate classification (germline): Uncertain significance (1 of 4 stars; one submission).

Conditions:
Acute myeloid leukemia (AML). Also called: Leukemia, acute myeloid, somatic; Leukemia, acute myelogenous, somatic; Acute myeloid leukemia, adult; AML adult; Acute non-lymphocytic leukemia; Acute granulocytic leukemia. Identifiers: Orphanet 519, MedGen C0023467, MeSH D015470, MONDO:0018874, OMIM 601626, HP:0004808. Disease mechanism: Constitutively activated FLT3.

Submission:

Labcorp Genetics (formerly Invitae), Labcorp
Classification: Uncertain significance for Acute myeloid leukemia. Last evaluated: 2022-08-31. Review status: criteria provided, single submitter. Criteria: Invitae Variant Classification Sherloc (09022015). Collection method: clinical testing. Allele origin: germline.
Comment: This sequence change replaces methionine, which is neutral and non-polar, with threonine, which is neutral and polar, at codon 218 of the CEBPA protein (p.Met218Thr). The frequency data for this variant in the population databases is considered unreliable, as metrics indicate insufficient coverage at this position in the gnomAD database. This variant has not been reported in the literature in individuals affected with CEBPA-related conditions. Algorithms developed to predict the effect of missense changes on protein structure and function (SIFT, PolyPhen-2, Align-GVGD) all suggest that this variant is likely to be tolerated. In summary, the available evidence is currently insufficient to determine the role of this variant in disease. Therefore, it has been classified as a Variant of Uncertain Significance.